The following is an entry in ClinVar:

ClinVar aggregate classification (germline): Uncertain significance. Review status: criteria provided, multiple submitters, no conflicts (2 of 4 stars). 2 submissions from 2 submitters: Uncertain significance (2). Last evaluated 2021-08-14.

Conditions:
Emery-Dreifuss muscular dystrophy 4, autosomal dominant (EDMD4). Also called: EMERY-DREIFUSS MUSCULAR DYSTROPHY 4 WITH VARIABLE FEATURES. Identifiers: Orphanet 261, MedGen C2751807, MONDO:0013071, OMIM 612998.
Autosomal recessive ataxia, Beauce type. Also called: SYNE1-Related Autosomal Recessive Cerebellar Ataxia; Spinocerebellar ataxia, autosomal recessive 8; ATAXIA, RECESSIVE, OF BEAUCE; SYNE1 Deficiency. Identifiers: Orphanet 88644, MedGen C1853116, MONDO:0012549, OMIM 610743.

Allele frequency attached by ClinVar (database versions not stated): gnomAD 0.00001; TOPMed 0.00001.
gnomAD v4.1: 4 of 1,613,998 alleles (0.00025%); highest among the groups gnomAD compares: African/African-American, 0.0013%; no homozygotes.

Submissions (2):

Labcorp Genetics (formerly Invitae), Labcorp
Classification: Uncertain significance for Emery-Dreifuss muscular dystrophy 4, autosomal dominant; Autosomal recessive ataxia, Beauce type. Last evaluated: 2021-08-14. Review status: criteria provided, single submitter. Criteria: Invitae Variant Classification Sherloc (09022015). Collection method: clinical testing. Allele origin: germline.
Comment: This sequence change replaces arginine with cysteine at codon 6178 of the SYNE1 protein (p.Arg6178Cys). The arginine residue is highly conserved and there is a large physicochemical difference between arginine and cysteine. This variant is not present in population databases (ExAC no frequency). This variant has not been reported in the literature in individuals affected with SYNE1-related conditions. ClinVar contains an entry for this variant (Variation ID: 497584). Algorithms developed to predict the effect of missense changes on protein structure and function are either unavailable or do not agree on the potential impact of this missense change (SIFT: "Deleterious"; PolyPhen-2: "Benign"; Align-GVGD: "Class C35"). In summary, the available evidence is currently insufficient to determine the role of this variant in disease. Therefore, it has been classified as a Variant of Uncertain Significance.

Eurofins Ntd Llc (ga)
Classification: Uncertain significance. Last evaluated: 2016-10-04. Review status: criteria provided, single submitter. Criteria: EGL Classification Definitions 2015. Collection method: clinical testing. Allele origin: germline. Observed: 1 variant allele, 1 heterozygote.

NM_182961.4(SYNE1):c.18745C>T (p.Arg6249Cys)

Gene: SYNE1 (spectrin repeat containing nuclear envelope protein 1; minus strand). Cytogenetic location: 6q25.2.
Variant type: single nucleotide variant.
Coding change: c.18745C>T on transcript NM_182961.4 (MANE Select); coding-DNA position 18745, C replaced by T.
Protein change: p.Arg6249Cys; replaces arginine 6249 with cysteine.
Molecular consequence: missense variant.
Genome position (GRCh38, 1-based): chr6:152,268,126, G>A on the plus strand (C>T on the coding strand, the complement: SYNE1 is on the minus strand). VCF-style: chr6-152268126-G-A. GRCh37 (hg19) VCF-style: chr6-152589261-G-A.
Other names: c.18532C>T, p.Arg6178Cys (NM_033071.5); short protein forms R6178C, R6249C.
Identifiers: ClinVar variation 497584 (VCV000497584.9), dbSNP rs1270352436, ClinGen allele CA366091642.
Genomic context (GRCh38, chr6:152,268,126, plus strand): 5'-CAGAGGTCTCTGCCGCCGAATGTTGAATTAGAATCTCCTCTCCACGACTGGCTACTGAGC[G>A]AAGGAGACTCTTCTGCTCGGCTAATTCCTGTTCTAACTCCTGCTCAAGGGAAAGGACAAA-3'
Protein context (NP_892006.3, residues 6239-6259): QELAEQKSLL[Arg6249Cys]SVASRGEEIL